The following is an entry in ClinVar:

ClinVar aggregate classification (germline): Uncertain significance (1 of 4 stars; one submission).

Conditions:
Hereditary cancer-predisposing syndrome. Also called: Tumor predisposition; Neoplastic Syndromes, Hereditary; Hereditary neoplastic syndrome; Hereditary Cancer Syndrome. Identifiers: Orphanet 140162, MedGen C0027672, MeSH D009386, MONDO:0015356.

Submission:

Ambry Genetics
Classification: Uncertain significance for Hereditary cancer-predisposing syndrome. Last evaluated: 2024-11-28. Review status: criteria provided, single submitter. Criteria: Ambry Variant Classification Scheme 2023. Collection method: clinical testing. Allele origin: germline.
Comment: The p.C41W variant (also known as c.123C>G), located in coding exon 1 of the SUFU gene, results from a C to G substitution at nucleotide position 123. The cysteine at codon 41 is replaced by tryptophan, an amino acid with highly dissimilar properties. This amino acid position is conserved. In addition, this alteration is predicted to be deleterious by in silico analysis. Based on the available evidence, the clinical significance of this variant remains unclear.

NM_016169.4(SUFU):c.123C>G (p.Cys41Trp)

Gene: SUFU (SUFU negative regulator of hedgehog signaling; plus strand). Cytogenetic location: 10q24.32.
Variant type: single nucleotide variant.
Coding change: c.123C>G on transcript NM_016169.4 (MANE Select); coding-DNA position 123, C replaced by G.
Protein change: p.Cys41Trp; replaces cysteine 41 with tryptophan.
Molecular consequence: missense variant.
Genome position (GRCh38, 1-based): chr10:102,504,275, C>G. VCF-style: chr10-102504275-C-G. GRCh37 (hg19) VCF-style: chr10-104264032-C-G.
Other names: c.123C>G, p.Cys41Trp (NM_001178133.2); short protein forms C41W.
Identifiers: ClinVar variation 3451146 (VCV003451146.1).